The following is an entry in ClinVar:

NM_003803.4(MYOM1):c.2509G>A (p.Gly837Arg)

Gene: MYOM1 (myomesin 1; minus strand). Cytogenetic location: 18p11.31.
Variant type: single nucleotide variant.
Coding change: c.2509G>A on transcript NM_003803.4 (MANE Select); coding-DNA position 2509, G replaced by A.
Protein change: p.Gly837Arg; replaces glycine 837 with arginine.
Molecular consequence: missense variant. On other transcripts: intron variant (1).
Genome position (GRCh38, 1-based): chr18:3,129,517, C>T on the plus strand (G>A on the coding strand, the complement: MYOM1 is on the minus strand). VCF-style: chr18-3129517-C-T. GRCh37 (hg19) VCF-style: chr18-3129515-C-T.
Other names: c.2506+1858G>A (NM_019856.2); short protein forms G837R.
Identifiers: ClinVar variation 2890071 (VCV002890071.4), dbSNP rs1317428563, ClinGen allele CA401710802.

ClinVar aggregate classification (germline): Uncertain significance. Review status: criteria provided, multiple submitters, no conflicts (2 of 4 stars). 2 submissions from 2 submitters: Uncertain significance (2). Last evaluated 2023-09-25.

Conditions:
Hypertrophic cardiomyopathy. Also called: HYPERTROPHIC MYOCARDIOPATHY. Identifiers: Orphanet 217569, MedGen C0007194, MeSH D002312, MONDO:0005045, HP:0001639.

Allele frequency attached by ClinVar (database versions not stated): TOPMed below 0.00001; gnomAD 0.00001.

Submissions (2):

Ambry Genetics
Classification: Uncertain significance. Last evaluated: 2023-09-25. Review status: criteria provided, single submitter. Criteria: Ambry Variant Classification Scheme 2023. Collection method: clinical testing. Allele origin: germline.
Comment: The p.G837R variant (also known as c.2509G>A), located in coding exon 17 of the MYOM1 gene, results from a G to A substitution at nucleotide position 2509. The glycine at codon 837 is replaced by arginine, an amino acid with dissimilar properties. This amino acid position is conserved. In addition, the in silico prediction for this alteration is inconclusive. Since supporting evidence is limited at this time, the clinical significance of this alteration remains unclear.

Labcorp Genetics (formerly Invitae), Labcorp
Classification: Uncertain significance for Hypertrophic cardiomyopathy. Last evaluated: 2022-11-08. Review status: criteria provided, single submitter. Criteria: Invitae Variant Classification Sherloc (09022015). Collection method: clinical testing. Allele origin: germline.
Comment: This variant is not present in population databases (gnomAD no frequency). In summary, the available evidence is currently insufficient to determine the role of this variant in disease. Therefore, it has been classified as a Variant of Uncertain Significance. Algorithms developed to predict the effect of missense changes on protein structure and function (SIFT, PolyPhen-2, Align-GVGD) all suggest that this variant is likely to be tolerated. This variant has not been reported in the literature in individuals affected with MYOM1-related conditions. This sequence change replaces glycine, which is neutral and non-polar, with arginine, which is basic and polar, at codon 837 of the MYOM1 protein (p.Gly837Arg).